The following is an entry in ClinVar:

NM_002241.5(KCNJ10):c.1042C>T (p.Arg348Cys)

Gene: KCNJ10 (potassium inwardly rectifying channel subfamily J member 10; minus strand). Cytogenetic location: 1q23.2.
Variant type: single nucleotide variant.
Coding change: c.1042C>T on transcript NM_002241.5 (MANE Select); coding-DNA position 1042, C replaced by T.
Protein change: p.Arg348Cys; replaces arginine 348 with cysteine.
Molecular consequence: missense variant.
Genome position (GRCh38, 1-based): chr1:160,041,491, G>A on the plus strand (C>T on the coding strand, the complement: KCNJ10 is on the minus strand). VCF-style: chr1-160041491-G-A. GRCh37 (hg19) VCF-style: chr1-160011281-G-A.
Other names: short protein forms R348C.
Identifiers: ClinVar variation 7470 (VCV000007470.32), dbSNP rs137853074, ClinGen allele CA254188.
Genomic context (GRCh38, chr1:160,041,491, plus strand): 5'-CCTTCTCAGCTTGCTCCCTTAATGACTCCTCCAACTTGAGCTTTTCAGGGTCTCCGTAGC[G>A]TACAGTGCTGTCACGGAGGCCACTAGGAGAGGCCACTTTCACAACTTGGTCAAAAAGGCT-3'
Protein context (NP_002232.2, residues 338-358): SPSGLRDSTV[Arg348Cys]YGDPEKLKLE

ClinVar aggregate classification (germline): Conflicting classifications of pathogenicity. Review status: criteria provided, conflicting classifications (1 of 4 stars). 11 submissions from 11 submitters: Uncertain significance (8); Likely benign (1). 2 of the submissions do not count toward it. Last evaluated 2026-08-26.

Conditions:
KCNJ10-related disorder. Also called: KCNJ10-related condition; KCNJ10-related disorders. Identifiers: MedGen CN239321.
EAST syndrome (SESAMES). Also called: SEIZURES, SENSORINEURAL DEAFNESS, ATAXIA, IMPAIRED INTELLECTUAL DEVELOPMENT, AND ELECTROLYTE IMBALANCE. Identifiers: Orphanet 199343, MedGen C2748572, MONDO:0013005, OMIM 612780.
Autosomal recessive nonsyndromic hearing loss 4 (DFNB4). Also called: DEAFNESS, AUTOSOMAL RECESSIVE 4, WITH ENLARGED VESTIBULAR AQUEDUCT, DIGENIC; Nonsyndromic enlarged vestibular aqueduct (NSEVA); Deafness, autosomal recessive 4; Deafness, autosomal recessive 4, with enlarged vestibular aqueduct; FOXI1-Related Pendred Syndrome; KCNJ10-Related Pendred Syndrome. Identifiers: Orphanet 90636, MedGen C3538946, MONDO:0010933, OMIM 600791.

Allele frequency attached by ClinVar (database versions not stated): gnomAD 0.00008 and 0.00010; gnomAD exomes 0.00018; ExAC 0.00024; TOPMed 0.00035; 1000 Genomes Project 30x 0.00047; 1000 Genomes Project 0.00060.
gnomAD v4.1: 208 of 1,614,096 alleles (0.013%); highest among the groups gnomAD compares: East Asian, 0.11%; no homozygotes.

Submissions (11):

PreventionGenetics, part of Exact Sciences
Classification: Uncertain significance for KCNJ10-related condition. Last evaluated: 2026-08-26. Review status: criteria provided, single submitter. Criteria: ACMG Guidelines, 2015. Collection method: clinical testing. Allele origin: germline.
Comment: The KCNJ10 c.1042C>T variant is predicted to result in the amino acid substitution p.Arg348Cys. This variant was reported in an individual with Hearing loss, digenic non-syndromic (Yang et al. 2009. PubMed ID: 19426954; Han et al. 2019. PubMed ID: 30733538; Huang et al. 2024. PubMed ID: 39367724). This variant is reported in 0.17% of alleles in individuals of East Asian descent in gnomAD. At this time, the clinical significance of this variant is uncertain due to the absence of conclusive functional and genetic evidence.

Labcorp Genetics (formerly Invitae), Labcorp
Classification: Likely benign for EAST syndrome. Last evaluated: 2026-01-02. Review status: criteria provided, single submitter. Criteria: Invitae Variant Classification Sherloc (09022015). Collection method: clinical testing. Allele origin: germline.

GeneDx
Classification: Uncertain significance. Last evaluated: 2025-03-11. Review status: criteria provided, single submitter. Criteria: GeneDx Variant Classification Process June 2021. Collection method: clinical testing. Allele origin: germline. Affected: yes.
Comment: Identified as heterozygous variant in individuals with enlargement of the vestibular aqueduct; however, biallelic pathogenic variants in the SLC26A4 gene were also identified in each individual (Zhao et al., 2014; Lin et al., 2019); Identified as heterozygous variant in an individual with enlargement of the vestibular aqueduct/Pendred syndrome; however one pathogenic variant in the SLC26A4 gene was also identified (Yang et al., 2009); Published functional studies demonstrate that R348C reduces K+ channel conductance activity (Yang et al., 2009), but the implications of these changes for the disease mechanism remain unclear; In silico analysis indicates that this missense variant does not alter protein structure/function; This variant is associated with the following publications: (PMID: 30268946, 30733538, 31243244, 25372295, 19426954, 35370765, 35912989, 39367724)

Blueprint Genetics
Classification: Uncertain significance. Last evaluated: 2024-06-17. Review status: criteria provided, single submitter. Criteria: ACMG Guidelines, 2015. Collection method: clinical testing. Allele origin: germline.

Clinical Genomics Laboratory, Stanford Medicine
Classification: Uncertain significance for EAST syndrome. Last evaluated: 2023-02-17. Review status: criteria provided, single submitter. Criteria: ACMG Guidelines, 2015. Collection method: clinical testing. Allele origin: germline. Observed: 1 variant allele, 1 heterozygote.

Mayo Clinic Laboratories, Mayo Clinic
Classification: Uncertain significance. Last evaluated: 2019-12-16. Review status: criteria provided, single submitter. Criteria: ACMG Guidelines, 2015. Collection method: clinical testing. Allele origin: germline. Observed: 1 variant allele.

Genomic Research Center, Shahid Beheshti University of Medical Sciences
Classification: Uncertain significance for KCNJ10-Related Disorders. Last evaluated: 2019-01-01. Review status: criteria provided, single submitter. Criteria: ACMG Guidelines, 2015. Collection method: clinical testing. Allele origin: unknown. Affected: no. Observed: 1 variant allele.

Genetic Services Laboratory, University of Chicago
Classification: Uncertain significance. Last evaluated: 2016-08-22. Review status: criteria provided, single submitter. Criteria: ACMG Guidelines, 2015. Collection method: clinical testing. Allele origin: germline. Affected: no.

Eurofins Ntd Llc (ga)
Classification: Uncertain significance. Last evaluated: 2016-03-24. Review status: criteria provided, single submitter. Criteria: EGL Classification Definitions 2015. Collection method: clinical testing. Allele origin: germline. Observed: 1 variant allele, 1 heterozygote.

Soonchunhyang University Bucheon Hospital, Soonchunhyang University Medical Center
Classification: Likely pathogenic for Autosomal recessive nonsyndromic hearing loss 4. Last evaluated: 2016-03-18. Review status: flagged submission. Criteria: ACMG Guidelines, 2015. Collection method: reference population. Allele origin: germline. Observed: 1 variant allele. Not counted in ClinVar's aggregate classification.
ClinVar note: Reason: Outlier claim with insufficient supporting evidence

OMIM
Classification: Pathogenic for DEAFNESS, AUTOSOMAL RECESSIVE 4, WITH ENLARGED VESTIBULAR AQUEDUCT, DIGENIC. Last evaluated: 2009-05-01. Review status: flagged submission. Collection method: literature only. Allele origin: germline. Not counted in ClinVar's aggregate classification.
ClinVar note: Reason: Outlier claim with insufficient supporting evidence

Literature cited by the submitters: PubMed 19426954 (cited by Soonchunhyang University Bucheon Hospital, Soonchunhyang University Medical Center and OMIM).